The following is an entry in ClinVar:

NM_020928.2(ZSWIM6):c.2950G>T (p.Ala984Ser)

Gene: ZSWIM6 (zinc finger SWIM-type containing 6; plus strand). Cytogenetic location: 5q12.1.
Variant type: single nucleotide variant.
Coding change: c.2950G>T on transcript NM_020928.2 (MANE Select); coding-DNA position 2950, G replaced by T.
Protein change: p.Ala984Ser; replaces alanine 984 with serine.
Molecular consequence: missense variant.
Genome position (GRCh38, 1-based): chr5:61,543,619, G>T. VCF-style: chr5-61543619-G-T. GRCh37 (hg19) VCF-style: chr5-60839446-G-T.
Other names: c.2950G>T (NM_020928.1); short protein forms A984S.
Identifiers: ClinVar variation 2438702 (VCV002438702.7), dbSNP rs958090617, ClinGen allele CA119664251.

ClinVar aggregate classification (germline): Uncertain significance. Review status: criteria provided, multiple submitters, no conflicts (2 of 4 stars). 3 submissions from 3 submitters: Uncertain significance (3). Last evaluated 2025-11-24.

Conditions:
Inborn genetic diseases. Identifiers: MedGen C0950123, MeSH D030342.

Allele frequency attached by ClinVar (database versions not stated): gnomAD 0.00002; TOPMed 0.00002.
gnomAD v4.1: 11 of 1,551,668 alleles (0.00071%); highest among the groups gnomAD compares: African/African-American, 0.0014%; no homozygotes.

Submissions (3):

Ambry Genetics
Classification: Uncertain significance for Inborn genetic diseases. Last evaluated: 2025-11-24. Review status: criteria provided, single submitter. Criteria: Ambry Variant Classification Scheme 2023. Collection method: clinical testing. Allele origin: germline.

Labcorp Genetics (formerly Invitae), Labcorp
Classification: Uncertain significance. Last evaluated: 2024-02-15. Review status: criteria provided, single submitter. Criteria: Invitae Variant Classification Sherloc (09022015). Collection method: clinical testing. Allele origin: germline.
Comment: This sequence change replaces alanine, which is neutral and non-polar, with serine, which is neutral and polar, at codon 984 of the ZSWIM6 protein (p.Ala984Ser). This variant is not present in population databases (gnomAD no frequency). This variant has not been reported in the literature in individuals affected with ZSWIM6-related conditions. ClinVar contains an entry for this variant (Variation ID: 2438702). Advanced modeling of protein sequence and biophysical properties (such as structural, functional, and spatial information, amino acid conservation, physicochemical variation, residue mobility, and thermodynamic stability) performed at Invitae indicates that this missense variant is not expected to disrupt ZSWIM6 protein function with a negative predictive value of 80%. In summary, the available evidence is currently insufficient to determine the role of this variant in disease. Therefore, it has been classified as a Variant of Uncertain Significance.

Revvity Omics, Revvity
Classification: Uncertain significance. Last evaluated: 2022-09-06. Review status: criteria provided, single submitter. Criteria: ACMG Guidelines, 2015. Collection method: clinical testing. Allele origin: germline.